The following is an entry in ClinVar:

ClinVar aggregate classification (germline): Uncertain significance (1 of 4 stars; one submission).

Conditions:
Cardiovascular phenotype. Identifiers: MedGen CN230736.

Submission:

Ambry Genetics
Classification: Uncertain significance for Cardiovascular phenotype. Last evaluated: 2022-04-03. Review status: criteria provided, single submitter. Criteria: Ambry Variant Classification Scheme 2023. Collection method: clinical testing. Allele origin: germline.
Comment: The p.S347T variant (also known as c.1039T>A), located in coding exon 11 of the EYA4 gene, results from a T to A substitution at nucleotide position 1039. The serine at codon 347 is replaced by threonine, an amino acid with similar properties. This amino acid position is conserved. In addition, this alteration is predicted to be tolerated by in silico analysis. Since supporting evidence is limited at this time, the clinical significance of this alteration remains unclear.

NM_004100.5(EYA4):c.1039T>A (p.Ser347Thr)

Gene: EYA4 (EYA transcriptional coactivator and phosphatase 4; plus strand). Cytogenetic location: 6q23.2.
Variant type: single nucleotide variant.
Coding change: c.1039T>A on transcript NM_004100.5 (MANE Select); coding-DNA position 1039, T replaced by A.
Protein change: p.Ser347Thr; replaces serine 347 with threonine.
Molecular consequence: missense variant.
Genome position (GRCh38, 1-based): chr6:133,481,531, T>A. VCF-style: chr6-133481531-T-A. GRCh37 (hg19) VCF-style: chr6-133802669-T-A.
Other names: c.877T>A, p.Ser293Thr (NM_001301012.2); c.1057T>A, p.Ser353Thr (NM_001301013.2); c.970T>A, p.Ser324Thr (NM_001370458.1, NM_172103.4); c.895T>A, p.Ser299Thr (NM_001370459.1); c.1039T>A, p.Ser347Thr (NM_172105.4); short protein forms S353T, S293T, S299T, S324T, S347T.
Identifiers: ClinVar variation 1773590 (VCV001773590.2), dbSNP rs2534857359, ClinGen allele CA365706444.